The following is an entry in ClinVar:

NC_000009.12:g.136119484G>A

Genes: TMEM250 (transmembrane protein 250; minus strand), LOC107987142 (uncharacterized LOC107987142; plus strand). Cytogenetic location: 9q34.3.
Variant type: single nucleotide variant.
Genome position: GRCh38 VCF-style: chr9-136119484-G-A. GRCh37 (hg19) VCF-style: chr9-139011330-G-A.
Identifiers: ClinVar variation 2659725 (VCV002659725.24), dbSNP rs147851013, ClinGen allele CA201503194.

ClinVar aggregate classification (germline): Likely benign (1 of 4 stars; one submission).

Allele frequency attached by ClinVar (database versions not stated): 1000 Genomes Project 30x 0.00344; gnomAD 0.00351; 1000 Genomes Project 0.00359; TOPMed 0.00463.

Submission:

CeGaT Center for Human Genetics Tuebingen
Classification: Likely benign. Last evaluated: 2022-12-01. Review status: criteria provided, single submitter. Criteria: CeGaT Center For Human Genetics Tuebingen Variant Classification Criteria Version 2. Collection method: clinical testing. Allele origin: germline. Affected: yes. Observed: 1 variant allele.
Comment: TMEM250: BS2